The following is an entry in ClinVar:

NM_001291303.3(FAT4):c.4154T>C (p.Leu1385Ser)

Gene: FAT4 (FAT atypical cadherin 4; plus strand). Cytogenetic location: 4q28.1.
Variant type: single nucleotide variant.
Coding change: c.4154T>C on transcript NM_001291303.3 (MANE Select); coding-DNA position 4154, T replaced by C.
Protein change: p.Leu1385Ser; replaces leucine 1385 with serine.
Molecular consequence: missense variant.
Genome position (GRCh38, 1-based): chr4:125,320,565, T>C. VCF-style: chr4-125320565-T-C. GRCh37 (hg19) VCF-style: chr4-126241720-T-C.
Other names: c.4154T>C, p.Leu1385Ser (NM_001291285.3, NM_024582.6); c.4154T>C (NM_024582.5); short protein forms L1385S.
Identifiers: ClinVar variation 384625 (VCV000384625.27), dbSNP rs139883132, ClinGen allele CA3072418.

ClinVar aggregate classification (germline): Benign/Likely benign. Review status: criteria provided, multiple submitters, no conflicts (2 of 4 stars). 8 submissions from 8 submitters: Benign (3); Likely benign (4). 1 of the submissions does not count toward it. Last evaluated 2026-01-24.

Conditions:
FAT4-related disorder. Also called: FAT4-related condition.

Allele frequency attached by ClinVar (database versions not stated): gnomAD exomes 0.00059 and 0.00155; ExAC 0.00187; ESP Exome Variant Server 0.00432; gnomAD 0.00557 and 0.00597; 1000 Genomes Project 30x 0.00562; 1000 Genomes Project 0.00579; TOPMed 0.00611.
gnomAD v4.1: 1,786 of 1,613,950 alleles (0.11%); highest among the groups gnomAD compares: African/African-American, 2%; 20 homozygotes.

Submissions (8):

Labcorp Genetics (formerly Invitae), Labcorp
Classification: Benign. Last evaluated: 2026-01-24. Review status: criteria provided, single submitter. Criteria: Invitae Variant Classification Sherloc (09022015). Collection method: clinical testing. Allele origin: germline.

Genomic Medicine Center of Excellence, King Faisal Specialist Hospital and Research Centre
Classification: Likely benign. Last evaluated: 2025-08-18. Review status: criteria provided, single submitter. Criteria: ACMG Guidelines, 2015. Collection method: clinical testing. Allele origin: germline.

Blueprint Genetics
Classification: Likely benign. Last evaluated: 2024-11-11. Review status: criteria provided, single submitter. Criteria: ACMG Guidelines, 2015. Collection method: clinical testing. Allele origin: germline.

ARUP Laboratories, Molecular Genetics and Genomics, ARUP Laboratories
Classification: Likely benign. Last evaluated: 2020-11-20. Review status: criteria provided, single submitter. Criteria: ARUP Molecular Germline Variant Investigation Process 2021. Collection method: clinical testing. Allele origin: germline.

GeneDx
Classification: Benign. Last evaluated: 2018-04-02. Review status: criteria provided, single submitter. Criteria: GeneDx Variant Classification Process June 2021. Collection method: clinical testing. Allele origin: germline. Affected: yes.

Genetic Services Laboratory, University of Chicago
Classification: Benign. Last evaluated: 2017-08-21. Review status: criteria provided, single submitter. Criteria: ACMG Guidelines, 2015. Collection method: clinical testing. Allele origin: germline. Affected: no.

Breakthrough Genomics
Classification: Likely benign. Review status: criteria provided, single submitter. Criteria: ACMG Guidelines, 2015. Collection method: not provided. Allele origin: germline. Inheritance: Autosomal recessive inheritance. Affected: yes.

PreventionGenetics, part of Exact Sciences
Classification: Benign for FAT4-related condition. Last evaluated: 2021-05-26. Review status: no assertion criteria provided. Collection method: clinical testing. Allele origin: germline. Not counted in ClinVar's aggregate classification.
Comment: This variant is classified as benign based on ACMG/AMP sequence variant interpretation guidelines (Richards et al. 2015 PMID: 25741868, with internal and published modifications).